The following is an entry in ClinVar:

ClinVar aggregate classification (germline): Uncertain significance. Review status: criteria provided, multiple submitters, no conflicts (2 of 4 stars). 2 submissions from 2 submitters: Uncertain significance (2). Last evaluated 2022-05-27.

Conditions:
Hereditary cancer-predisposing syndrome. Also called: Neoplastic Syndromes, Hereditary; Hereditary neoplastic syndrome; Hereditary Cancer Syndrome; Tumor predisposition. Identifiers: Orphanet 140162, MedGen C0027672, MeSH D009386, MONDO:0015356.
Ataxia-telangiectasia syndrome (AT). Also called: Ataxia-telangiectasia, complementation group E; Ataxia telangiectasia (A-T); LOUIS-BAR SYNDROME; ATAXIA-TELANGIECTASIA, FRESNO VARIANT; AT, COMPLEMENTATION GROUP C; Ataxia-telangiectasia. Identifiers: Orphanet 100, MedGen C0004135, MONDO:0008840, OMIM 208900.

Allele frequency attached by ClinVar (database versions not stated): gnomAD exomes below 0.00001.
gnomAD v4.1: 1 of 1,613,654 alleles (0.000062%); highest among the groups gnomAD compares: South Asian, 0.0011%; no homozygotes.

Submissions (2):

Ambry Genetics
Classification: Uncertain significance for Hereditary cancer-predisposing syndrome. Last evaluated: 2022-05-27. Review status: criteria provided, single submitter. Criteria: Ambry Variant Classification Scheme 2023. Collection method: clinical testing. Allele origin: germline.
Comment: The p.H945Y variant (also known as c.2833C>T), located in coding exon 17 of the ATM gene, results from a C to T substitution at nucleotide position 2833. The histidine at codon 945 is replaced by tyrosine, an amino acid with similar properties. This amino acid position is highly conserved in available vertebrate species. In addition, this alteration is predicted to be deleterious by in silico analysis. Since supporting evidence is limited at this time, the clinical significance of this alteration remains unclear.

Labcorp Genetics (formerly Invitae), Labcorp
Classification: Uncertain significance for Ataxia-telangiectasia syndrome. Last evaluated: 2019-06-27. Review status: criteria provided, single submitter. Criteria: Invitae Variant Classification Sherloc (09022015). Collection method: clinical testing. Allele origin: germline.
Comment: This variant is not present in population databases (ExAC no frequency). In summary, the available evidence is currently insufficient to determine the role of this variant in disease. Therefore, it has been classified as a Variant of Uncertain Significance. Algorithms developed to predict the effect of missense changes on protein structure and function are either unavailable or do not agree on the potential impact of this missense change (SIFT: "Tolerated"; PolyPhen-2: "Benign"; Align-GVGD: "Class C35"). This variant has not been reported in the literature in individuals with ATM-related conditions. This sequence change replaces histidine with tyrosine at codon 945 of the ATM protein (p.His945Tyr). The histidine residue is moderately conserved and there is a moderate physicochemical difference between histidine and tyrosine.

NM_000051.4(ATM):c.2833C>T (p.His945Tyr)

Gene: ATM (ATM serine/threonine kinase; plus strand). Cytogenetic location: 11q22.3.
Variant type: single nucleotide variant.
Coding change: c.2833C>T on transcript NM_000051.4 (MANE Select); coding-DNA position 2833, C replaced by T.
Protein change: p.His945Tyr; replaces histidine 945 with tyrosine.
Molecular consequence: missense variant.
Genome position (GRCh38, 1-based): chr11:108,268,604, C>T. VCF-style: chr11-108268604-C-T. GRCh37 (hg19) VCF-style: chr11-108139331-C-T.
Other names: c.2833C>T, p.His945Tyr (NM_001351834.2); short protein forms H945Y.
Identifiers: ClinVar variation 948354 (VCV000948354.12), dbSNP rs2081396911, ClinGen allele CA382545840.